The following is an entry in ClinVar:

ClinVar aggregate classification (germline): Uncertain significance (1 of 4 stars; one submission).

Conditions:
Hypertrophic cardiomyopathy 9. Also called: Familial hypertrophic cardiomyopathy 9. Identifiers: MedGen C1861065, MONDO:0013412, OMIM 613765.
Myopathy, myofibrillar, 9, with early respiratory failure (MFM9). Also called: Hereditary myopathy with early respiratory failure; EDSTROM MYOPATHY; MYOPATHY, PROXIMAL, WITH EARLY RESPIRATORY MUSCLE INVOLVEMENT; Myopathy, distal, with early respiratory failure, autosomal dominant. Identifiers: Orphanet 178464, Orphanet 34521, MedGen C1863599, MONDO:0011362, OMIM 603689.
Early-onset myopathy with fatal cardiomyopathy (CMYO5). Also called: CONGENITAL MYOPATHY 5 WITH CARDIOMYOPATHY; Salih Myopathy. Identifiers: Orphanet 289377, MedGen C2673677, MONDO:0012714, OMIM 611705. Disease mechanism: loss of function.
Autosomal recessive limb-girdle muscular dystrophy type 2J (LGMDR10). Also called: Limb-girdle muscular dystrophy, type 2J; MUSCULAR DYSTROPHY, LIMB-GIRDLE, AUTOSOMAL RECESSIVE 10. Identifiers: Orphanet 140922, MedGen C1837342, MONDO:0012127, OMIM 608807.
Dilated cardiomyopathy 1G (CMD1G). Identifiers: Orphanet 154, MedGen C1858763, MONDO:0011400, OMIM 604145.
Tibial muscular dystrophy (TMD). Also called: UDD MYOPATHY; Udd Distal Myopathy – Tibial Muscular Dystrophy; Tibial muscular dystrophy, tardive. Identifiers: Orphanet 609, MedGen C1838244, MONDO:0010870, OMIM 600334.

gnomAD v4.1: 4 of 1,613,714 alleles (0.00025%); highest among the groups gnomAD compares: South Asian, 0.0011%; no homozygotes.

Submission:

Juno Genomics, Hangzhou Juno Genomics, Inc
Classification: Uncertain significance for Tibial muscular dystrophy; Early-onset myopathy with fatal cardiomyopathy; Dilated cardiomyopathy 1G; Hypertrophic cardiomyopathy 9; Autosomal recessive limb-girdle muscular dystrophy type 2J; Myopathy, myofibrillar, 9, with early respiratory failure. Review status: criteria provided, single submitter. Criteria: ACMG Guidelines, 2015. Collection method: clinical testing. Allele origin: germline.
Comment: Absent from controls (or at extremely low frequency if recessive) in Genome Aggregation Database.;Missense variant in a gene that has a low rate of benign missense variation.

NM_001267550.2(TTN):c.83165T>C (p.Ile27722Thr)

Genes: TTN (titin; minus strand), TTN-AS1 (TTN antisense RNA 1; plus strand). Cytogenetic location: 2q31.2.
Variant type: single nucleotide variant.
Coding change: c.83165T>C on transcript NM_001267550.2 (MANE Select); coding-DNA position 83165, T replaced by C.
Protein change: p.Ile27722Thr; replaces isoleucine 27722 with threonine.
Molecular consequence: missense variant.
Genome position (GRCh38, 1-based): chr2:178,562,967, A>G on the plus strand (T>C on the coding strand, the complement: TTN is on the minus strand). VCF-style: chr2-178562967-A-G. GRCh37 (hg19) VCF-style: chr2-179427694-A-G.
Other names: c.78242T>C, p.Ile26081Thr (NM_001256850.1); c.55970T>C, p.Ile18657Thr (NM_003319.4); c.75461T>C, p.Ile25154Thr (NM_133378.4); c.56345T>C, p.Ile18782Thr (NM_133432.3); c.56546T>C, p.Ile18849Thr (NM_133437.4); short protein forms I18782T, I18657T, I18849T, I25154T, I26081T, I27722T.
Identifiers: ClinVar variation 5006145 (VCV005006145.2).